The following is an entry in ClinVar:

NM_033118.4(MYLK2):c.336G>T (p.Lys112Asn)

Gene: MYLK2 (myosin light chain kinase 2; plus strand). Cytogenetic location: 20q11.21.
Variant type: single nucleotide variant.
Coding change: c.336G>T on transcript NM_033118.4 (MANE Select); coding-DNA position 336, G replaced by T.
Protein change: p.Lys112Asn; replaces lysine 112 with asparagine.
Molecular consequence: missense variant.
Genome position (GRCh38, 1-based): chr20:31,820,409, G>T. VCF-style: chr20-31820409-G-T. GRCh37 (hg19) VCF-style: chr20-30408212-G-T.
Other names: short protein forms K112N.
Identifiers: ClinVar variation 3706216 (VCV003706216.2).

ClinVar aggregate classification (germline): Uncertain significance (1 of 4 stars; one submission).

Conditions:
Hypertrophic cardiomyopathy 1 (CMH1). Also called: Familial hypertrophic cardiomyopathy 1; MYH7-Related Familial Hypertrophic Cardiomyopathy. Identifiers: MedGen C3495498, MONDO:0008647, OMIM 192600.

gnomAD v4.1: 9 of 1,612,918 alleles (0.00056%); highest among the groups gnomAD compares: African/African-American, 0.011%; no homozygotes.

Submission:

Labcorp Genetics (formerly Invitae), Labcorp
Classification: Uncertain significance for Hypertrophic cardiomyopathy 1. Last evaluated: 2025-11-13. Review status: criteria provided, single submitter. Criteria: Invitae Variant Classification Sherloc (09022015). Collection method: clinical testing. Allele origin: germline.
Comment: This sequence change replaces lysine, which is basic and polar, with asparagine, which is neutral and polar, at codon 112 of the MYLK2 protein (p.Lys112Asn). This variant is present in population databases (rs6060966, gnomAD 0.01%). This variant has not been reported in the literature in individuals affected with MYLK2-related conditions. ClinVar contains an entry for this variant (Variation ID: 3706216). Invitae Evidence Modeling of protein sequence and biophysical properties (such as structural, functional, and spatial information, amino acid conservation, physicochemical variation, residue mobility, and thermodynamic stability) indicates that this missense variant is not expected to disrupt MYLK2 protein function with a negative predictive value of 80%. In summary, the available evidence is currently insufficient to determine the role of this variant in disease. Therefore, it has been classified as a Variant of Uncertain Significance.